The following is an entry in ClinVar:

NM_001012759.3(CTU2):c.727C>T (p.Gln243Ter)

Gene: CTU2 (cytosolic thiouridylase subunit 2; plus strand). Cytogenetic location: 16q24.3.
Variant type: single nucleotide variant.
Coding change: c.727C>T on transcript NM_001012759.3 (MANE Select); coding-DNA position 727, C replaced by T.
Protein change: p.Gln243Ter; replaces glutamine 243 with a stop codon.
Molecular consequence: nonsense.
Genome position (GRCh38, 1-based): chr16:88,712,895, C>T. VCF-style: chr16-88712895-C-T. GRCh37 (hg19) VCF-style: chr16-88779303-C-T.
Other names: c.727C>T, p.Gln243Ter (NM_001012762.3); c.940C>T, p.Gln314Ter (NM_001318507.2); c.466C>T, p.Gln156Ter (NM_001318513.2); c.727C>T (NM_001012759.2); short protein forms Q156*, Q243*, Q314*.
Identifiers: ClinVar variation 3899294 (VCV003899294.3), dbSNP rs201104411.

ClinVar aggregate classification (germline): Conflicting classifications of pathogenicity. Review status: criteria provided, conflicting classifications (1 of 4 stars). 3 submissions from 3 submitters: Pathogenic (1); Likely pathogenic (1); Uncertain significance (1). Last evaluated 2025-06-20.

Conditions:
CTU2-related disorder. Also called: CTU2-related condition.
Microcephaly, facial dysmorphism, renal agenesis, and ambiguous genitalia syndrome. Identifiers: MedGen C4748348, MONDO:0020647, OMIM 618142.

Submissions (3):

GeneDx
Classification: Pathogenic. Last evaluated: 2025-06-20. Review status: criteria provided, single submitter. Criteria: GeneDx Variant Classification Process June 2021. Collection method: clinical testing. Allele origin: germline. Affected: yes.
Comment: Nonsense variant predicted to result in protein truncation or nonsense mediated decay in a gene for which loss of function is a known mechanism of disease; Not observed at significant frequency in large population cohorts (gnomAD); Has not been previously published as pathogenic or benign to our knowledge

First Genomix Gene Laboratory, Genetic Diagnostics Department
Classification: Likely pathogenic for Microcephaly, facial dysmorphism, renal agenesis, and ambiguous genitalia syndrome. Last evaluated: 2025-02-21. Review status: criteria provided, single submitter. Criteria: ACMG Guidelines, 2015. Collection method: clinical testing. Allele origin: germline. Inheritance: Autosomal recessive inheritance. Affected: no. Observed: 1 variant allele.

PreventionGenetics, part of Exact Sciences
Classification: Uncertain significance for CTU2-related condition. Last evaluated: 2025-01-07. Review status: criteria provided, single submitter. Criteria: ACMG Guidelines, 2015. Collection method: clinical testing. Allele origin: germline.
Comment: The CTU2 c.727C>T variant is predicted to result in premature protein termination (p.Gln243*). To our knowledge, this variant has not been reported in the literature. This variant is reported in 0.0011% of alleles in individuals of European (Non-Finnish) descent in gnomAD. Loss of function is not an established mechanism of CTU2-related disease. Although we suspect that this variant may be pathogenic, at this time, the clinical significance of this variant is uncertain due to the absence of conclusive functional and genetic evidence.